The following is an entry in ClinVar:

NM_018136.5(ASPM):c.2017T>C (p.Leu673=)

Gene: ASPM (assembly factor for spindle microtubules; minus strand). Cytogenetic location: 1q31.3.
Variant type: single nucleotide variant.
Coding change: c.2017T>C on transcript NM_018136.5 (MANE Select); coding-DNA position 2017, T replaced by C.
Protein change: p.Leu673=; no amino-acid change (leucine 673 retained).
Molecular consequence: synonymous variant.
Genome position (GRCh38, 1-based): chr1:197,139,776, A>G on the plus strand (T>C on the coding strand, the complement: ASPM is on the minus strand). VCF-style: chr1-197139776-A-G. GRCh37 (hg19) VCF-style: chr1-197108906-A-G.
Other names: c.2017T>C, p.Leu673= (NM_001206846.2).
Identifiers: ClinVar variation 2639706 (VCV002639706.24), dbSNP rs755675522, ClinGen allele CA1310595.

ClinVar aggregate classification (germline): Likely benign (1 of 4 stars; one submission).

Submission:

CeGaT Center for Human Genetics Tuebingen
Classification: Likely benign. Last evaluated: 2022-10-01. Review status: criteria provided, single submitter. Criteria: CeGaT Center For Human Genetics Tuebingen Variant Classification Criteria Version 2. Collection method: clinical testing. Allele origin: germline. Affected: yes. Observed: 1 variant allele.
Comment: ASPM: BP4, BP7